The following is an entry in ClinVar:

NM_024496.4(IRF2BPL):c.1923G>T (p.Lys641Asn)

Gene: IRF2BPL (interferon regulatory factor 2 binding protein like; minus strand). Cytogenetic location: 14q24.3.
Variant type: single nucleotide variant.
Coding change: c.1923G>T on transcript NM_024496.4 (MANE Select); coding-DNA position 1923, G replaced by T.
Protein change: p.Lys641Asn; replaces lysine 641 with asparagine.
Molecular consequence: missense variant.
Genome position (GRCh38, 1-based): chr14:77,025,870, C>A on the plus strand (G>T on the coding strand, the complement: IRF2BPL is on the minus strand). VCF-style: chr14-77025870-C-A. GRCh37 (hg19) VCF-style: chr14-77492213-C-A.
Other names: short protein forms K641N.
Identifiers: ClinVar variation 1029895 (VCV001029895.1), dbSNP rs1045489697, ClinGen allele CA390489132.

ClinVar aggregate classification (germline): Uncertain significance (1 of 4 stars; one submission).

Conditions:
Neurodevelopmental disorder with regression, abnormal movements, loss of speech, and seizures. Identifiers: Orphanet 597623, MedGen C4748127, MONDO:0060759, OMIM 618088.

Allele frequency attached by ClinVar (database versions not stated): gnomAD exomes 0.00001; TOPMed 0.00001.
gnomAD v4.1: 2 of 1,612,600 alleles (0.00012%); highest among the groups gnomAD compares: Non-Finnish European, 0.00017%; no homozygotes.

Submission:

Baylor Genetics
Classification: Uncertain significance for Neurodevelopmental disorder with regression, abnormal movements, loss of speech, and seizures. Last evaluated: 2019-08-16. Review status: criteria provided, single submitter. Criteria: ACMG Guidelines, 2015. Collection method: clinical testing. Allele origin: paternal. Affected: yes.
Comment: This variant was determined to be of uncertain significance according to ACMG Guidelines, 2015 [PMID:25741868].